The following is an entry in ClinVar:

ClinVar aggregate classification (germline): Uncertain significance (1 of 4 stars; one submission).

Conditions:
Atypical hemolytic-uremic syndrome. Identifiers: Orphanet 2134, MedGen C2931788, MONDO:0016244.

Submission:

Genomenon, Inc
Classification: Uncertain significance for Atypical hemolytic-uremic syndrome. Last evaluated: 2025-10-02. Review status: criteria provided, single submitter. Criteria: Genomenon Sequence Variant Interpretation Standards. Collection method: curation. Allele origin: germline. Affected: no.
Comment: CD46 p.Ala22Thr (c.64G>A) is a missense variant that changes the amino acid at residue 22 from Alanine to Threonine. This variant has been reported in the published literature (PMID:36211394). It is absent or not present at a significant frequency in gnomAD. In silico models agree that this variant is not damaging. In conclusion, we classify CD46 p.Ala22Thr (c.64G>A) as a variant of uncertain significance.

Literature cited by the submitters: PubMed 36211394.

NM_172351.3(CD46):c.64G>A (p.Ala22Thr)

Genes: CD46 (CD46 molecule; plus strand), LOC129932405 (ATAC-STARR-seq lymphoblastoid active region 2449; plus strand). Cytogenetic location: 1q32.2.
Variant type: single nucleotide variant.
Coding change: c.64G>A on transcript NM_172351.3 (MANE Select); coding-DNA position 64, G replaced by A.
Protein change: p.Ala22Thr; replaces alanine 22 with threonine.
Molecular consequence: missense variant.
Genome position (GRCh38, 1-based): chr1:207,752,276, G>A. VCF-style: chr1-207752276-G-A. GRCh37 (hg19) VCF-style: chr1-207925621-G-A.
Other names: c.64G>A, p.Ala22Thr (NM_002389.4, NM_153826.4, NM_172350.3 and 8 more transcripts); short protein forms A22T.
Identifiers: ClinVar variation 4291233 (VCV004291233.1).
Genomic context (GRCh38, chr1:207,752,276, plus strand): 5'-GAGCCTCCCGGCCGCCGCGAGTGTCCCTTTCCTTCCTGGCGCTTTCCTGGGTTGCTTCTG[G>A]CGGCCATGGTGTTGCTGCTGTACTCCTTCTCCGGTAGGACCCCGGGGCGGGTTCGCGCGT-3'
Protein context (NP_758861.1, residues 12-32): PSWRFPGLLL[Ala22Thr]AMVLLLYSFS